The following is an entry in ClinVar:

ClinVar aggregate classification (germline): Uncertain significance. Review status: criteria provided, multiple submitters, no conflicts (2 of 4 stars). 3 submissions from 3 submitters: Uncertain significance (3). Last evaluated 2019-04-24.

Conditions:
Asperger syndrome, X-linked, susceptibility to, 2. Identifiers: MedGen CN029122, MONDO:0010343.
Autism, susceptibility to, X-linked 2 (AUTSX2). Also called: Autism susceptibility, X-linked 2. Identifiers: MedGen C1845539, MONDO:0010341, OMIM 300495.

Allele frequency attached by ClinVar (database versions not stated): gnomAD exomes below 0.00001; TOPMed 0.00002.
gnomAD v4.1: 2 of 1,211,205 alleles (0.00017%); highest among the groups gnomAD compares: Admixed American, 0.0022%; no homozygotes.

Submissions (3):

GeneDx
Classification: Uncertain significance. Last evaluated: 2019-04-24. Review status: criteria provided, single submitter. Criteria: GeneDx Variant Classification Process June 2021. Collection method: clinical testing. Allele origin: germline. Affected: yes.
Comment: Has not been previously published as pathogenic or benign to our knowledge

Geisinger Autism and Developmental Medicine Institute, Geisinger Health System
Classification: Uncertain significance for Autism, susceptibility to, X-linked 2. Last evaluated: 2017-07-25. Review status: criteria provided, single submitter. Criteria: ACMG Guidelines, 2015. Collection method: provider interpretation, clinical testing. Allele origin: maternal. Observed: 1 variant allele.
Comment: Variants in NLGN4X have been associated with autism spectrum disorders (Bemben et al., 2015). Loss-of function and missense variants in the NLGN4X gene have been reported in association with an increased risk for X-linked intellectual disability and susceptibility to autism and Asperger syndrome in males as well as in some heterozygous females (Laumonnier et al., 2004; Lawson-Yuen et al. 2008; Zhang et al., 2009; Xu et al., 2014; Bonnet-Brihault et al., 2016). Other studies have not found NLGN4X variants in autism cohorts and suggest that NLGN4X variants are not likely to be common causes of autism (Wermter et al., 2008; Liu et al., 2013). This variant is absent from population databases, including ExAC and gnomAD. Computational models predict this variant would probably be damaging to protein structure/function.

Eurofins Ntd Llc (ga)
Classification: Uncertain significance. Last evaluated: 2015-11-23. Review status: criteria provided, single submitter. Criteria: EGL Classification Definitions 2015. Collection method: clinical testing. Allele origin: germline. Observed: 1 variant allele, 1 heterozygote.

Literature cited by the submitters: PubMed 25675530 (cited by Geisinger Autism and Developmental Medicine Institute, Geisinger Health System); PubMed 34963808 (cited by Geisinger Autism and Developmental Medicine Institute, Geisinger Health System); PubMed 18231125 (cited by Geisinger Autism and Developmental Medicine Institute, Geisinger Health System); PubMed 19726642 (cited by Geisinger Autism and Developmental Medicine Institute, Geisinger Health System); PubMed 24570023 (cited by Geisinger Autism and Developmental Medicine Institute, Geisinger Health System); PubMed 26055424 (cited by Geisinger Autism and Developmental Medicine Institute, Geisinger Health System); PubMed 23468870 (cited by Geisinger Autism and Developmental Medicine Institute, Geisinger Health System); PubMed 18189281 (cited by Geisinger Autism and Developmental Medicine Institute, Geisinger Health System).

NM_181332.3(NLGN4X):c.2259G>C (p.Arg753Ser)

Gene: NLGN4X (neuroligin 4 X-linked; minus strand). Cytogenetic location: Xp22.32.
Variant type: single nucleotide variant.
Coding change: c.2259G>C on transcript NM_181332.3 (MANE Select); coding-DNA position 2259, G replaced by C.
Protein change: p.Arg753Ser; replaces arginine 753 with serine.
Molecular consequence: missense variant.
Genome position (GRCh38, 1-based): chrX:5,893,009, C>G on the plus strand (G>C on the coding strand, the complement: NLGN4X is on the minus strand). VCF-style: chrX-5893009-C-G. GRCh37 (hg19) VCF-style: chrX-5811050-C-G.
Other names: c.2259G>C, p.Arg753Ser (NM_001282145.2, NM_001282146.2, NM_020742.4); short protein forms R753S.
Identifiers: ClinVar variation 284715 (VCV000284715.8), dbSNP rs886042929, ClinGen allele CA10604882.